The following is an entry in ClinVar:

NM_001267550.2(TTN):c.67787G>C (p.Arg22596Thr)

Genes: TTN (titin; minus strand), TTN-AS1 (TTN antisense RNA 1; plus strand), LOC126806423 (CDK7 strongly-dependent group 2 enhancer GRCh37_chr2:179443309-179444508; plus strand). Cytogenetic location: 2q31.2.
Variant type: single nucleotide variant.
Coding change: c.67787G>C on transcript NM_001267550.2 (MANE Select); coding-DNA position 67787, G replaced by C.
Protein change: p.Arg22596Thr; replaces arginine 22596 with threonine.
Molecular consequence: missense variant.
Genome position (GRCh38, 1-based): chr2:178,579,243, C>G on the plus strand (G>C on the coding strand, the complement: TTN is on the minus strand). VCF-style: chr2-178579243-C-G. GRCh37 (hg19) VCF-style: chr2-179443970-C-G.
Other names: c.62864G>C, p.Arg20955Thr (NM_001256850.1); c.40592G>C, p.Arg13531Thr (NM_003319.4); c.60083G>C, p.Arg20028Thr (NM_133378.4); c.40967G>C, p.Arg13656Thr (NM_133432.3); c.41168G>C, p.Arg13723Thr (NM_133437.4); c.67787G>C (NM_001267550.1); short protein forms R20028T, R22596T, R13723T, R13531T, R20955T, R13656T.
Identifiers: ClinVar variation 501287 (VCV000501287.9), dbSNP rs1197078573, ClinGen allele CA349422984.

ClinVar aggregate classification (germline): Uncertain significance. Review status: criteria provided, multiple submitters, no conflicts (2 of 4 stars). 3 submissions from 3 submitters: Uncertain significance (3). Last evaluated 2026-04-13.

Conditions:
TTN-related disorder. Also called: TTN-related condition; TTN-related disease; TTN-related disorders.

Allele frequency attached by ClinVar (database versions not stated): gnomAD exomes below 0.00001.
gnomAD v4.1: 2 of 1,613,442 alleles (0.00012%); highest among the groups gnomAD compares: Admixed American, 0.0033%; no homozygotes.

Submissions (3):

PreventionGenetics, part of Exact Sciences
Classification: Uncertain significance for TTN-related condition. Last evaluated: 2026-04-13. Review status: criteria provided, single submitter. Criteria: ACMG Guidelines, 2015. Collection method: clinical testing. Allele origin: germline.
Comment: The TTN c.67787G>C variant is predicted to result in the amino acid substitution p.Arg22596Thr. To our knowledge, this variant has not been reported in the literature. This variant is reported in 0.0029% of alleles in individuals of Latino descent in gnomAD. At this time, the clinical significance of this variant is uncertain due to the absence of conclusive functional and genetic evidence.

GeneDx
Classification: Uncertain significance. Last evaluated: 2025-09-22. Review status: criteria provided, single submitter. Criteria: GeneDx Variant Classification Process June 2021. Collection method: clinical testing. Allele origin: germline. Affected: yes.
Comment: Not observed at significant frequency in large population cohorts (gnomAD); Missense variant in a gene in which most reported pathogenic variants are truncating/loss of function; Has not been previously published as pathogenic or benign to our knowledge

Eurofins Ntd Llc (ga)
Classification: Uncertain significance. Last evaluated: 2017-04-18. Review status: criteria provided, single submitter. Criteria: EGL Classification Definitions 2015. Collection method: clinical testing. Allele origin: germline. Observed: 1 variant allele, 1 heterozygote.